The following is an entry in ClinVar:

ClinVar aggregate classification (germline): Uncertain significance (1 of 4 stars; one submission).

Conditions:
Neuropathy, hereditary sensory and autonomic, type 2A (HSAN2A). Also called: MORVAN DISEASE; NEUROPATHY, CONGENITAL SENSORY; NEUROPATHY, HEREDITARY SENSORY RADICULAR, AUTOSOMAL RECESSIVE; NEUROPATHY, HEREDITARY SENSORY, TYPE IIA; NEUROPATHY, PROGRESSIVE SENSORY, OF CHILDREN; WNK1-Related HSAN2 (HSAN2A). Identifiers: Orphanet 970, MedGen C2752089, MONDO:0024309, OMIM 201300.
Pseudohypoaldosteronism type 2C (PHA2C). Also called: Pseudohypoaldosteronism Type IIC. Identifiers: Orphanet 757, Orphanet 88940, MedGen C1840391, MONDO:0013778, OMIM 614492.

Allele frequency attached by ClinVar (database versions not stated): gnomAD exomes below 0.00001; gnomAD 0.00001; TOPMed 0.00001.
gnomAD v4.1: 4 of 1,614,080 alleles (0.00025%); highest among the groups gnomAD compares: Admixed American, 0.0017%; no homozygotes.

Submission:

Labcorp Genetics (formerly Invitae), Labcorp
Classification: Uncertain significance for Neuropathy, hereditary sensory and autonomic, type 2A; Pseudohypoaldosteronism type 2C. Last evaluated: 2023-12-24. Review status: criteria provided, single submitter. Criteria: Invitae Variant Classification Sherloc (09022015). Collection method: clinical testing. Allele origin: germline.
Comment: This sequence change replaces alanine, which is neutral and non-polar, with valine, which is neutral and non-polar, at codon 2182 of the WNK1 protein (p.Ala2182Val). This variant is present in population databases (no rsID available, gnomAD 0.003%). This variant has not been reported in the literature in individuals affected with WNK1-related conditions. ClinVar contains an entry for this variant (Variation ID: 1044753). Advanced modeling of protein sequence and biophysical properties (such as structural, functional, and spatial information, amino acid conservation, physicochemical variation, residue mobility, and thermodynamic stability) performed at Invitae indicates that this missense variant is not expected to disrupt WNK1 protein function with a negative predictive value of 95%. In summary, the available evidence is currently insufficient to determine the role of this variant in disease. Therefore, it has been classified as a Variant of Uncertain Significance.

NM_018979.4(WNK1):c.5789C>T (p.Ala1930Val)

Gene: WNK1 (WNK lysine deficient protein kinase 1; plus strand). Cytogenetic location: 12p13.33.
Variant type: single nucleotide variant.
Coding change: c.5789C>T on transcript NM_018979.4 (MANE Select); coding-DNA position 5789, C replaced by T.
Protein change: p.Ala1930Val; replaces alanine 1930 with valine.
Molecular consequence: missense variant.
Genome position (GRCh38, 1-based): chr12:896,276, C>T. VCF-style: chr12-896276-C-T. GRCh37 (hg19) VCF-style: chr12-1005442-C-T.
Other names: c.6545C>T, p.Ala2182Val (NM_213655.5); c.6569C>T, p.Ala2190Val (NM_001184985.2); c.5045C>T, p.Ala1682Val (NM_014823.3); short protein forms A1930V, A1682V, A2190V, A2182V.
Identifiers: ClinVar variation 1044753 (VCV001044753.8), dbSNP rs1268090127, ClinGen allele CA383335217.